The following is an entry in ClinVar:

NM_022047.4(DEF6):c.574C>T (p.Arg192Cys)

Gene: DEF6 (DEF6 guanine nucleotide exchange factor; plus strand). Cytogenetic location: 6p21.31.
Variant type: single nucleotide variant.
Coding change: c.574C>T on transcript NM_022047.4 (MANE Select); coding-DNA position 574, C replaced by T.
Protein change: p.Arg192Cys; replaces arginine 192 with cysteine.
Molecular consequence: missense variant.
Genome position (GRCh38, 1-based): chr6:35,312,452, C>T. VCF-style: chr6-35312452-C-T. GRCh37 (hg19) VCF-style: chr6-35280229-C-T.
Other names: c.574C>T (NM_022047.3); short protein forms R192C.
Identifiers: ClinVar variation 2148566 (VCV002148566.2), dbSNP rs773044621, ClinGen allele CA3770749.

ClinVar aggregate classification (germline): Uncertain significance. Review status: criteria provided, multiple submitters, no conflicts (2 of 4 stars). 2 submissions from 2 submitters: Uncertain significance (2). Last evaluated 2025-08-23.

Allele frequency attached by ClinVar (database versions not stated): gnomAD 0.00001; TOPMed 0.00001; gnomAD exomes 0.00002; ExAC 0.00007.
gnomAD v4.1: 27 of 1,614,030 alleles (0.0017%); highest among the groups gnomAD compares: Admixed American, 0.01%; no homozygotes.

Submissions (2):

Ambry Genetics
Classification: Uncertain significance. Last evaluated: 2025-08-23. Review status: criteria provided, single submitter. Criteria: Ambry Variant Classification Scheme 2023. Collection method: clinical testing. Allele origin: germline.

Labcorp Genetics (formerly Invitae), Labcorp
Classification: Uncertain significance. Last evaluated: 2022-07-13. Review status: criteria provided, single submitter. Criteria: Invitae Variant Classification Sherloc (09022015). Collection method: clinical testing. Allele origin: germline.
Comment: This sequence change replaces arginine, which is basic and polar, with cysteine, which is neutral and slightly polar, at codon 192 of the DEF6 protein (p.Arg192Cys). The frequency data for this variant in the population databases is considered unreliable, as metrics indicate poor data quality at this position in the gnomAD database. This variant has not been reported in the literature in individuals affected with DEF6-related conditions. Algorithms developed to predict the effect of missense changes on protein structure and function are either unavailable or do not agree on the potential impact of this missense change (SIFT: "Deleterious"; PolyPhen-2: "Possibly Damaging"; Align-GVGD: "Class C0"). In summary, the available evidence is currently insufficient to determine the role of this variant in disease. Therefore, it has been classified as a Variant of Uncertain Significance.